The following is an entry in ClinVar:

ClinVar aggregate classification (germline): Conflicting classifications of pathogenicity. Review status: criteria provided, conflicting classifications (1 of 4 stars). 12 submissions from 12 submitters: Uncertain significance (6); Likely benign (4). 2 of the submissions do not count toward it. Last evaluated 2026-05-04.

Conditions:
Tumor predisposition syndrome 3 (TPDS3). Also called: Melanoma, cutaneous malignant, susceptibility to, 10; LONG TELOMERE SYNDROME, POT1-RELATED; POT1 Tumor Predisposition; Glioma susceptibility 9. Identifiers: Orphanet 618, MedGen C4014476, MONDO:0014368, OMIM 615848.
Pulmonary fibrosis and/or bone marrow failure syndrome, telomere-related, 8 (PFBMFT8). Identifiers: MedGen C5830496, MONDO:0957263, OMIM 620367.
Cerebroretinal microangiopathy with calcifications and cysts 3 (CRMCC3). Identifiers: MedGen C5830497, MONDO:0957264, OMIM 620368.
POT1-related disorder. Also called: POT1-related condition.
Hereditary cancer-predisposing syndrome. Also called: Hereditary Cancer Syndrome; Tumor predisposition; Hereditary neoplastic syndrome; Neoplastic Syndromes, Hereditary. Identifiers: Orphanet 140162, MedGen C0027672, MeSH D009386, MONDO:0015356.

Allele frequency attached by ClinVar (database versions not stated): ExAC 0.00013; ESP Exome Variant Server 0.00015; 1000 Genomes Project 30x 0.00016; gnomAD exomes 0.00016 and 0.00027; TOPMed 0.00017; gnomAD 0.00018 and 0.00019.
gnomAD v4.1: 388 of 1,539,338 alleles (0.025%); highest among the groups gnomAD compares: Non-Finnish European, 0.033%; no homozygotes.

Submissions (12):

PreventionGenetics, part of Exact Sciences
Classification: Uncertain significance for POT1-related condition. Last evaluated: 2026-05-04. Review status: criteria provided, single submitter. Criteria: ACMG Guidelines, 2015. Collection method: clinical testing. Allele origin: germline.
Comment: The POT1 c.64A>G variant is predicted to result in the amino acid substitution p.Ile22Val. This variant has been reported in a patient with aplastic anemia with normal telomere length (Patient NIH071 in Supplementary Table S3, Gutierrez-Rodrigues et al. 2019. PubMed ID: 30523342) and in several cutaneous melanoma cases and controls (Simonin-Wilmer et al. 2022. PubMed ID: 36539277). Functional studies showed this variant does not negatively impact POT1 function with telomere binding similar to wild-type (Simonin-Wilmer et al. 2022. PubMed ID: 36539277). This variant is reported in 0.029% of alleles in individuals of European (Non-Finnish) descent in gnomAD and has conflicting interpretations regarding its pathogenicity in ClinVar, ranging from likely benign to uncertain (Variation ID: 436392). At this time, the clinical significance of this variant is uncertain due to the absence of conclusive functional and genetic evidence.

Labcorp Genetics (formerly Invitae), Labcorp
Classification: Uncertain significance for Tumor predisposition syndrome 3. Last evaluated: 2026-02-03. Review status: criteria provided, single submitter. Criteria: Invitae Variant Classification Sherloc (09022015). Collection method: clinical testing. Allele origin: germline.
Comment: This sequence change replaces isoleucine, which is neutral and non-polar, with valine, which is neutral and non-polar, at codon 22 of the POT1 protein (p.Ile22Val). This variant is present in population databases (rs375440229, gnomAD 0.03%), and has an allele count higher than expected for a pathogenic variant. This missense change has been observed in individual(s) with aplastic anemia (PMID: 30523342). ClinVar contains an entry for this variant (Variation ID: 436392). Invitae Evidence Modeling of protein sequence and biophysical properties (such as structural, functional, and spatial information, amino acid conservation, physicochemical variation, residue mobility, and thermodynamic stability) indicates that this missense variant is not expected to disrupt POT1 protein function with a negative predictive value of 80%. In summary, the available evidence is currently insufficient to determine the role of this variant in disease. Therefore, it has been classified as a Variant of Uncertain Significance.

Center for Genomic Medicine, Rigshospitalet, Copenhagen University Hospital
Classification: Uncertain significance. Last evaluated: 2025-12-29. Review status: criteria provided, single submitter. Criteria: ACMG Guidelines, 2015. Collection method: clinical testing. Allele origin: germline.

GeneDx
Classification: Uncertain significance. Last evaluated: 2025-03-31. Review status: criteria provided, single submitter. Criteria: GeneDx Variant Classification Process June 2021. Collection method: clinical testing. Allele origin: germline. Affected: yes.
Comment: In silico analysis indicates that this missense variant does not alter protein structure/function; Published functional studies demonstrate no damaging effect: telomere binding similar to wildtype (PMID: 36539277); This variant is associated with the following publications: (PMID: 36539277, 30523342, 28393830)

Laboratory of Genetics, Children's Clinical University Hospital Latvia
Classification: Likely benign. Last evaluated: 2025-02-16. Review status: criteria provided, single submitter. Criteria: ACMG Guidelines, 2015. Collection method: clinical testing. Allele origin: germline. Affected: yes.

Blueprint Genetics
Classification: Likely benign. Last evaluated: 2024-05-02. Review status: criteria provided, single submitter. Criteria: ACMG Guidelines, 2015. Collection method: clinical testing. Allele origin: germline.

Department of Pathology and Laboratory Medicine, Sinai Health System
Classification: Uncertain significance for Tumor predisposition syndrome 3; Pulmonary fibrosis and/or bone marrow failure syndrome, telomere-related, 8; Cerebroretinal microangiopathy with calcifications and cysts 3. Last evaluated: 2023-02-07. Review status: criteria provided, single submitter. Criteria: ACMG Guidelines, 2015. Collection method: research. Allele origin: germline.

Sema4
Classification: Likely benign for Hereditary cancer-predisposing syndrome. Last evaluated: 2020-11-10. Review status: criteria provided, single submitter. Criteria: Sema4 Curation Guidelines. Collection method: curation. Allele origin: germline.

Ambry Genetics
Classification: Likely benign for Hereditary cancer-predisposing syndrome. Last evaluated: 2018-09-06. Review status: criteria provided, single submitter. Criteria: Ambry Variant Classification Scheme 2023. Collection method: clinical testing. Allele origin: germline.

Genetic Services Laboratory, University of Chicago
Classification: Uncertain significance. Last evaluated: 2016-08-19. Review status: criteria provided, single submitter. Criteria: ACMG Guidelines, 2015. Collection method: clinical testing. Allele origin: germline. Affected: no.

Clinical Genetics DNA and cytogenetics Diagnostics Lab, Erasmus MC, Erasmus Medical Center
Classification: Likely benign. Review status: no assertion criteria provided. Collection method: clinical testing. Allele origin: germline. Affected: yes. Study: VKGL Data-share Consensus. Not counted in ClinVar's aggregate classification.

Genome Diagnostics Laboratory, University Medical Center Utrecht
Classification: Likely benign. Review status: no assertion criteria provided. Collection method: clinical testing. Allele origin: germline. Affected: yes. Study: VKGL Data-share Consensus. Not counted in ClinVar's aggregate classification.

Literature cited by the submitters: PubMed 30523342 (cited by Labcorp Genetics (formerly Invitae), Labcorp).

NM_015450.3(POT1):c.64A>G (p.Ile22Val)

Gene: POT1 (protection of telomeres 1; minus strand). Cytogenetic location: 7q31.33.
Variant type: single nucleotide variant.
Coding change: c.64A>G on transcript NM_015450.3 (MANE Select); coding-DNA position 64, A replaced by G.
Protein change: p.Ile22Val; replaces isoleucine 22 with valine.
Molecular consequence: missense variant. On other transcripts: 5 prime UTR variant (1), non-coding transcript variant (3).
Genome position (GRCh38, 1-based): chr7:124,892,326, T>C on the plus strand (A>G on the coding strand, the complement: POT1 is on the minus strand). VCF-style: chr7-124892326-T-C. GRCh37 (hg19) VCF-style: chr7-124532380-T-C.
Other names: c.-199A>G (NM_001042594.2); short protein forms I22V.
Identifiers: ClinVar variation 436392 (VCV000436392.40), dbSNP rs375440229, ClinGen allele CA4465513.